The following is an entry in ClinVar:

NM_000352.6(ABCC8):c.2266dup (p.Glu756fs)

Gene: ABCC8 (ATP binding cassette subfamily C member 8; minus strand). Cytogenetic location: 11p15.1.
Variant type: Duplication.
Coding change: c.2266dup on transcript NM_000352.6 (MANE Select); coding-DNA position 2266, one base duplicated (G; older notation c.2266dupG).
Protein change: p.Glu756fs; shifts the reading frame from glutamic acid 756.
Molecular consequence: frameshift variant. On other transcripts: non-coding transcript variant (1).
Genome position (GRCh38, 1-based): chr11:17,415,329, C duplicated on the plus strand (G on the coding strand, the reverse complement: ABCC8 is on the minus strand); the first of 3 consecutive C bases (chr11:17,415,329-17,415,331); duplicating any one gives the same sequence. VCF-style (leftmost placement, unchanged base first): chr11-17415328-T-TC. GRCh37 (hg19) VCF-style: chr11-17436875-T-TC.
Other names: c.2269dup, p.Glu757fs (NM_001287174.3); c.2332dup, p.Glu778fs (NM_001351295.2); c.2266dup, p.Glu756fs (NM_001351296.2); c.2263dup, p.Glu755fs (NM_001351297.2); short protein forms E755fs, E756fs, E757fs, E778fs.
Identifiers: ClinVar variation 5013822 (VCV005013822.1).

ClinVar aggregate classification (germline): Pathogenic (1 of 4 stars; one submission).

Conditions:
Hyperinsulinemic hypoglycemia, familial, 1 (HHF1). Also called: HYPERINSULINISM, FAMILIAL, WITH PANCREATIC NESIDIOBLASTOSIS; HYPOGLYCEMIA, HYPERINSULINEMIC, OF INFANCY; NESIDIOBLASTOSIS OF PANCREAS; Persistent Hyperinsulinemia Hypoglycemia of Infancy; Persistent hyperinsulinemic hypoglycemia of infancy. Identifiers: Orphanet 276575, Orphanet 276598, MedGen C2931832, MONDO:0009734, OMIM 256450.

Submission:

Myriad Genetics, Inc.
Classification: Pathogenic for Hyperinsulinemic hypoglycemia, familial, 1. Last evaluated: 2024-11-27. Review status: criteria provided, single submitter. Criteria: Myriad Autosomal Dominant, Autosomal Recessive and X-Linked Classification Criteria (2023). Collection method: clinical testing. Allele origin: unknown.
Comment: NM_000352.3(ABCC8):c.2266dupG(E756Gfs*35) is expected to be pathogenic in the context of familial hyperinsulinism, ABCC8-related. This variant is predicted to lead to an abnormal or absent protein product due to the creation of a premature termination codon in ABCC8, a gene where loss-of-function variants are known to be pathogenic. Please note: this variant was assessed in the context of healthy population screening.